The following is an entry in ClinVar:

ClinVar aggregate classification (germline): Uncertain significance. Review status: criteria provided, multiple submitters, no conflicts (2 of 4 stars). 2 submissions from 2 submitters: Uncertain significance (2). Last evaluated 2022-11-23.

Conditions:
Gastrointestinal stromal tumor. Also called: Gastrointestinal stromal tumor, somatic; Gastrointestinal stroma tumor. Identifiers: Orphanet 44890, MedGen C0238198, MeSH D046152, MONDO:0011719, OMIM 606764, HP:0100723.
Hereditary cancer-predisposing syndrome. Also called: Neoplastic Syndromes, Hereditary; Tumor predisposition; Hereditary Cancer Syndrome; Hereditary neoplastic syndrome. Identifiers: Orphanet 140162, MedGen C0027672, MeSH D009386, MONDO:0015356.

Submissions (2):

Labcorp Genetics (formerly Invitae), Labcorp
Classification: Uncertain significance for Gastrointestinal stromal tumor. Last evaluated: 2022-11-23. Review status: criteria provided, single submitter. Criteria: Invitae Variant Classification Sherloc (09022015). Collection method: clinical testing. Allele origin: germline.
Comment: In summary, the available evidence is currently insufficient to determine the role of this variant in disease. Therefore, it has been classified as a Variant of Uncertain Significance. Algorithms developed to predict the effect of missense changes on protein structure and function are either unavailable or do not agree on the potential impact of this missense change (SIFT: "Tolerated"; PolyPhen-2: "Probably Damaging"; Align-GVGD: "Class C0"). This variant has not been reported in the literature in individuals affected with KIT-related conditions. This variant is not present in population databases (gnomAD no frequency). This sequence change replaces glycine, which is neutral and non-polar, with glutamic acid, which is acidic and polar, at codon 445 of the KIT protein (p.Gly445Glu).

Ambry Genetics
Classification: Uncertain significance for Hereditary cancer-predisposing syndrome. Last evaluated: 2022-07-20. Review status: criteria provided, single submitter. Criteria: Ambry Variant Classification Scheme 2023. Collection method: clinical testing. Allele origin: germline.
Comment: The p.G445E variant (also known as c.1334G>A), located in coding exon 8 of the KIT gene, results from a G to A substitution at nucleotide position 1334. The glycine at codon 445 is replaced by glutamic acid, an amino acid with similar properties. This amino acid position is well conserved in available vertebrate species. In addition, the in silico prediction for this alteration is inconclusive. Since supporting evidence is limited at this time, the clinical significance of this alteration remains unclear.

NM_000222.3(KIT):c.1334G>A (p.Gly445Glu)

Gene: KIT (KIT proto-oncogene, receptor tyrosine kinase; plus strand). Cytogenetic location: 4q12.
Variant type: single nucleotide variant.
Coding change: c.1334G>A on transcript NM_000222.3 (MANE Select); coding-DNA position 1334, G replaced by A.
Protein change: p.Gly445Glu; replaces glycine 445 with glutamic acid.
Molecular consequence: missense variant.
Genome position (GRCh38, 1-based): chr4:54,723,686, G>A. VCF-style: chr4-54723686-G-A. GRCh37 (hg19) VCF-style: chr4-55589852-G-A.
Other names: c.1334G>A, p.Gly445Glu (NM_001093772.2, NM_001385285.1, NM_001385286.1); c.1337G>A, p.Gly446Glu (NM_001385284.1, NM_001385288.1, NM_001385290.1 and 1 more transcripts); short protein forms G446E, G445E.
Identifiers: ClinVar variation 1770217 (VCV001770217.5), dbSNP rs2109761360, ClinGen allele CA356905760.